The following is an entry in ClinVar:

ClinVar aggregate classification (germline): Likely benign. Review status: criteria provided, multiple submitters, no conflicts (2 of 4 stars). 5 submissions from 5 submitters: Likely benign (5). Last evaluated 2025-12-03.

Conditions:
RYR1-related disorder. Also called: RYR1-related condition; RYR1-related disorders. Identifiers: MedGen CN239331.
Malignant hyperthermia, susceptibility to, 1 (MHS1). Also called: RYR1-Related Malignant Hyperthermia Susceptibility; Anesthesia related hyperthermia; Malignant hyperpyrexia; Fulminating hyperpyrexia; Pharmacogenic myopathy; Malignant hyperthermia suceptibility 1. Identifiers: Orphanet 423, MedGen C2930980, MONDO:0007783, OMIM 145600.

Allele frequency attached by ClinVar (database versions not stated): gnomAD 0.00001; TOPMed 0.00002; ExAC 0.00003; gnomAD exomes 0.00005.
gnomAD v4.1: 77 of 1,613,982 alleles (0.0048%); highest among the groups gnomAD compares: Middle Eastern, 0.033%; no homozygotes.

Submissions (5):

Labcorp Genetics (formerly Invitae), Labcorp
Classification: Likely benign for RYR1-related disorder. Last evaluated: 2025-12-03. Review status: criteria provided, single submitter. Criteria: Invitae Variant Classification Sherloc (09022015). Collection method: clinical testing. Allele origin: germline.

Blueprint Genetics
Classification: Likely benign. Last evaluated: 2024-11-07. Review status: criteria provided, single submitter. Criteria: ACMG Guidelines, 2015. Collection method: clinical testing. Allele origin: germline.

All of Us Research Program, National Institutes of Health
Classification: Likely benign for Malignant hyperthermia, susceptibility to, 1. Last evaluated: 2023-12-15. Review status: criteria provided, single submitter. Criteria: ACMG Guidelines, 2015. Collection method: clinical testing. Allele origin: germline. Inheritance: Autosomal dominant inheritance. Observed: 6 variant alleles, 6 heterozygotes.
Comment: This study involves interpretation of variants in research participants for the purpose of population health screening. Participant phenotype was not available at the time of variant classification. Additional details can be found in publication PMID: 35346344, PMCID: PMC8962531

Color Diagnostics, LLC DBA Color Health
Classification: Likely benign for Malignant hyperthermia, susceptibility to, 1. Last evaluated: 2022-11-06. Review status: criteria provided, single submitter. Criteria: ACMG Guidelines, 2015. Collection method: clinical testing. Allele origin: germline.

PreventionGenetics, part of Exact Sciences
Classification: Likely benign. Review status: criteria provided, single submitter. Criteria: ACMG Guidelines, 2015. Collection method: clinical testing. Allele origin: germline.

NM_000540.3(RYR1):c.9360C>T (p.Thr3120=)

Gene: RYR1 (ryanodine receptor 1; plus strand). Cytogenetic location: 19q13.2.
Variant type: single nucleotide variant.
Coding change: c.9360C>T on transcript NM_000540.3 (MANE Select); coding-DNA position 9360, C replaced by T.
Protein change: p.Thr3120=; no amino-acid change (threonine 3120 retained).
Molecular consequence: synonymous variant.
Genome position (GRCh38, 1-based): chr19:38,512,371, C>T. VCF-style: chr19-38512371-C-T. GRCh37 (hg19) VCF-style: chr19-39003011-C-T.
Other names: c.9360C>T, p.Thr3120= (NM_001042723.2).
Identifiers: ClinVar variation 256582 (VCV000256582.16), dbSNP rs748400885, ClinGen allele CA073537.